The following is an entry in ClinVar:

ClinVar aggregate classification (germline): Uncertain significance. Review status: criteria provided, single submitter (1 of 4 stars). 2 submissions from 2 submitters: Uncertain significance (1). 1 of the submissions does not count toward it. Last evaluated 2021-09-02.

Conditions:
MHC class II deficiency. Also called: Bare lymphocyte syndrome 2; BLS, TYPE II. Identifiers: Orphanet 572, MedGen C5447452, MONDO:0008855.

Allele frequency attached by ClinVar (database versions not stated): gnomAD exomes 0.00001; ExAC 0.00002.
gnomAD v4.1: 18 of 1,611,248 alleles (0.0011%); highest among the groups gnomAD compares: South Asian, 0.011%; no homozygotes.

Submissions (2):

Labcorp Genetics (formerly Invitae), Labcorp
Classification: Uncertain significance for MHC class II deficiency. Last evaluated: 2021-09-02. Review status: criteria provided, single submitter. Criteria: Invitae Variant Classification Sherloc (09022015). Collection method: clinical testing. Allele origin: germline.
Comment: This sequence change replaces glycine with serine at codon 500 of the CIITA protein (p.Gly500Ser). The glycine residue is weakly conserved and there is a small physicochemical difference between glycine and serine. This variant is present in population databases (rs780155994, ExAC 0.01%). This variant has not been reported in the literature in individuals affected with CIITA-related conditions. Algorithms developed to predict the effect of missense changes on protein structure and function output the following: SIFT: "Tolerated"; PolyPhen-2: "Benign"; Align-GVGD: "Class C0". The serine amino acid residue is found in multiple mammalian species, which suggests that this missense change does not adversely affect protein function. Algorithms developed to predict the effect of sequence changes on RNA splicing suggest that this variant may create or strengthen a splice site. In summary, the available evidence is currently insufficient to determine the role of this variant in disease. Therefore, it has been classified as a Variant of Uncertain Significance.

Natera, Inc.
Classification: Uncertain significance for Bare lymphocyte syndrome type II. Last evaluated: 2025-03-19. Review status: no assertion criteria provided. Collection method: clinical testing. Allele origin: germline. Not counted in ClinVar's aggregate classification.

NM_000246.4(CIITA):c.1498G>A (p.Gly500Ser)

Gene: CIITA (class II major histocompatibility complex transactivator; plus strand). Cytogenetic location: 16p13.13.
Variant type: single nucleotide variant.
Coding change: c.1498G>A on transcript NM_000246.4 (MANE Select); coding-DNA position 1498, G replaced by A.
Protein change: p.Gly500Ser; replaces glycine 500 with serine.
Molecular consequence: missense variant. On other transcripts: intron variant (1).
Genome position (GRCh38, 1-based): chr16:10,906,990, G>A. VCF-style: chr16-10906990-G-A. GRCh37 (hg19) VCF-style: chr16-11000847-G-A.
Other names: c.1501G>A, p.Gly501Ser (NM_001286402.1, NM_001379332.1); c.1354G>A, p.Gly452Ser (NM_001379330.1); c.1351G>A, p.Gly451Ser (NM_001379331.1); c.1498G>A, p.Gly500Ser (NM_001379333.1); c.1429G>A, p.Gly477Ser (NM_001379334.1); c.860-1993G>A (NM_001286403.2); short protein forms G500S, G501S, G451S, G452S, G477S.
Identifiers: ClinVar variation 852249 (VCV000852249.5), dbSNP rs780155994, ClinGen allele CA7900150.
Genomic context (GRCh38, chr16:10,906,990, plus strand): 5'-GCCGATGAGGTTTTCAGCCACATCTTGAAGAGACCTGACCGCGTTCTGCTCATCCTAGAC[G>A]GCTTCGAGGAGCTGGAAGCGCAAGATGGCTTCCTGCACAGCACGTGCGGACCGGCACCGG-3'
Protein context (NP_000237.2, residues 490-510): RPDRVLLILD[Gly500Ser]FEELEAQDGF